The following is an entry in ClinVar:

NM_004415.4(DSP):c.7322T>C (p.Leu2441Pro)

Gene: DSP (desmoplakin; plus strand). Cytogenetic location: 6p24.3.
Variant type: single nucleotide variant.
Coding change: c.7322T>C on transcript NM_004415.4 (MANE Select); coding-DNA position 7322, T replaced by C.
Protein change: p.Leu2441Pro; replaces leucine 2441 with proline.
Molecular consequence: missense variant.
Genome position (GRCh38, 1-based): chr6:7,584,584, T>C. VCF-style: chr6-7584584-T-C. GRCh37 (hg19) VCF-style: chr6-7584817-T-C.
Other names: c.5525T>C, p.Leu1842Pro (NM_001008844.3); c.5993T>C, p.Leu1998Pro (NM_001319034.2); short protein forms L2441P, L1998P, L1842P.
Identifiers: ClinVar variation 1977196 (VCV001977196.5), dbSNP rs2533945177, ClinGen allele CA362692747.

ClinVar aggregate classification (germline): Uncertain significance (1 of 4 stars; one submission).

Conditions:
Arrhythmogenic right ventricular dysplasia 8 (ARVD8). Also called: ARRHYTHMOGENIC RIGHT VENTRICULAR DYSPLASIA, FAMILIAL, 8; Arrhythmogenic Right Ventricular Dysplasia/Cardiomyopathy 8; ARRHYTHMOGENIC RIGHT VENTRICULAR CARDIOMYOPATHY 8. Identifiers: MedGen C1843896, MONDO:0011831, OMIM 607450.
Arrhythmogenic cardiomyopathy with wooly hair and keratoderma. Also called: Carvajal syndrome; Dilated cardiomyopathy with woolly hair and keratoderma; PALMOPLANTAR KERATODERMA WITH LEFT VENTRICULAR CARDIOMYOPATHY AND WOOLLY HAIR; Arrhythmogenic cardiomyopathy with woolly hair and keratoderma. Identifiers: Orphanet 65282, MedGen C1854063, MONDO:0011581, OMIM 605676.

Submission:

Labcorp Genetics (formerly Invitae), Labcorp
Classification: Uncertain significance for Arrhythmogenic cardiomyopathy with wooly hair and keratoderma; Arrhythmogenic right ventricular dysplasia 8. Last evaluated: 2024-10-29. Review status: criteria provided, single submitter. Criteria: Invitae Variant Classification Sherloc (09022015). Collection method: clinical testing. Allele origin: germline.
Comment: This sequence change replaces leucine, which is neutral and non-polar, with proline, which is neutral and non-polar, at codon 2441 of the DSP protein (p.Leu2441Pro). This variant is not present in population databases (gnomAD no frequency). This variant has not been reported in the literature in individuals affected with DSP-related conditions. ClinVar contains an entry for this variant (Variation ID: 1977196). An algorithm developed to predict the effect of missense changes on protein structure and function (PolyPhen-2) suggests that this variant is likely to be disruptive. In summary, the available evidence is currently insufficient to determine the role of this variant in disease. Therefore, it has been classified as a Variant of Uncertain Significance.